The following is an entry in ClinVar:

NM_006767.4(LZTR1):c.1370A>T (p.Gln457Leu)

Gene: LZTR1 (leucine zipper like post translational regulator 1; plus strand). Cytogenetic location: 22q11.21.
Variant type: single nucleotide variant.
Coding change: c.1370A>T on transcript NM_006767.4 (MANE Select); coding-DNA position 1370, A replaced by T.
Protein change: p.Gln457Leu; replaces glutamine 457 with leucine.
Molecular consequence: missense variant.
Genome position (GRCh38, 1-based): chr22:20,993,940, A>T. VCF-style: chr22-20993940-A-T. GRCh37 (hg19) VCF-style: chr22-21348229-A-T.
Other names: short protein forms Q457L.
Identifiers: ClinVar variation 1771028 (VCV001771028.2), dbSNP rs1601721049, ClinGen allele CA410775042.

ClinVar aggregate classification (germline): Uncertain significance (1 of 4 stars; one submission).

Conditions:
Cardiovascular phenotype. Identifiers: MedGen CN230736.
Hereditary cancer-predisposing syndrome. Also called: Hereditary Cancer Syndrome; Hereditary neoplastic syndrome; Neoplastic Syndromes, Hereditary; Tumor predisposition. Identifiers: Orphanet 140162, MedGen C0027672, MeSH D009386, MONDO:0015356.

Submission:

Ambry Genetics
Classification: Uncertain significance for Cardiovascular phenotype; Hereditary cancer-predisposing syndrome. Last evaluated: 2021-05-07. Review status: criteria provided, single submitter. Criteria: Ambry Variant Classification Scheme 2023. Collection method: clinical testing. Allele origin: germline.
Comment: The p.Q457L variant (also known as c.1370A>T), located in coding exon 13 of the LZTR1 gene, results from an A to T substitution at nucleotide position 1370. The glutamine at codon 457 is replaced by leucine, an amino acid with dissimilar properties. This amino acid position is not well conserved in available vertebrate species. In addition, this alteration is predicted to be tolerated by in silico analysis. Since supporting evidence is limited at this time, the clinical significance of this alteration remains unclear.